The following is an entry in ClinVar:

NM_152383.5(DIS3L2):c.2592C>T (p.Gly864=)

Gene: DIS3L2 (DIS3 like 3'-5' exoribonuclease 2; plus strand). Cytogenetic location: 2q37.1.
Variant type: single nucleotide variant.
Coding change: c.2592C>T on transcript NM_152383.5 (MANE Select); coding-DNA position 2592, C replaced by T.
Protein change: p.Gly864=; no amino-acid change (glycine 864 retained).
Molecular consequence: synonymous variant. On other transcripts: non-coding transcript variant (2), intron variant (1).
Genome position (GRCh38, 1-based): chr2:232,336,564, C>T. VCF-style: chr2-232336564-C-T. GRCh37 (hg19) VCF-style: chr2-233201274-C-T.
Other names: c.1582-6781C>T (NM_001257281.2).
Identifiers: ClinVar variation 416343 (VCV000416343.35), dbSNP rs376585486, ClinGen allele CA2164623.

ClinVar aggregate classification (germline): Likely benign. Review status: criteria provided, multiple submitters, no conflicts (2 of 4 stars). 2 submissions from 2 submitters: Likely benign (2). Last evaluated 2025-08-11.

Conditions:
Perlman syndrome (PRLMNS). Identifiers: Orphanet 2849, MedGen C0796113, MONDO:0009965, OMIM 267000.

Allele frequency attached by ClinVar (database versions not stated): gnomAD 0.00003; TOPMed 0.00003; ESP Exome Variant Server 0.00008.
gnomAD v4.1: 116 of 1,609,348 alleles (0.0072%); highest among the groups gnomAD compares: Non-Finnish European, 0.0093%; no homozygotes.

Submissions (2):

Labcorp Genetics (formerly Invitae), Labcorp
Classification: Likely benign for Perlman syndrome. Last evaluated: 2025-08-11. Review status: criteria provided, single submitter. Criteria: Invitae Variant Classification Sherloc (09022015). Collection method: clinical testing. Allele origin: germline.

CeGaT Center for Human Genetics Tuebingen
Classification: Likely benign. Last evaluated: 2025-04-01. Review status: criteria provided, single submitter. Criteria: CeGaT Center For Human Genetics Tuebingen Variant Classification Criteria Version 2. Collection method: clinical testing. Allele origin: germline. Affected: yes. Observed: 2 variant alleles.
Comment: DIS3L2: BP4, BP7